The following is an entry in ClinVar:

NM_000152.5(GAA):c.1193del (p.Leu398fs)

Gene: GAA (alpha glucosidase; plus strand). Cytogenetic location: 17q25.3.
Variant type: Deletion.
Coding change: c.1193del on transcript NM_000152.5 (MANE Select); coding-DNA position 1193, one base deleted (T; older notation c.1193delT).
Protein change: p.Leu398fs; shifts the reading frame from leucine 398.
Molecular consequence: frameshift variant.
Genome position (GRCh38, 1-based): chr17:80,108,606, T deleted. VCF-style (leftmost placement, unchanged base first): chr17-80108605-CT-C. GRCh37 (hg19) VCF-style: chr17-78082404-CT-C.
Other names: c.1193del (LRG_673t1); c.1193del, p.Leu398fs (NM_001079803.3, NM_001079804.3); short protein forms L398fs.
Identifiers: ClinVar variation 371457 (VCV000371457.19), dbSNP rs1057517286, ClinGen allele CA16041891.
Genomic context (GRCh38, chr17:80,108,605, plus strand): 5'-TACTCCTCCACCGCTATCACCCGCCAGGTGGTGGAGAACATGACCAGGGCCCACTTCCCC[CT>C]GGTGAGTTGGGGTGGTGGCAGGGGAGGCAAGGGGCTGGCCGGGACGCGTCTCCTCAGGCC-3'

ClinVar aggregate classification (germline): Pathogenic. Review status: reviewed by expert panel (3 of 4 stars). 6 submissions from 6 submitters: Pathogenic (1). 5 of the submissions do not count toward it. Last evaluated 2026-07-10.

Conditions:
Glycogen storage disease, type II (IOPD). Also called: POMPE DISEASE, INFANTILE-ONSET; GLYCOGEN STORAGE DISEASE II, INFANTILE-ONSET; ACID ALPHA-GLUCOSIDASE DEFICIENCY, INFANTILE-ONSET; GAA DEFICIENCY, INFANTILE-ONSET; ACID MALTASE DEFICIENCY, INFANTILE-ONSET; Glucosidase acid-1,4-alpha deficiency. Identifiers: Orphanet 365, MedGen C0017921, MONDO:0009290, OMIM 232300.

Allele frequency attached by ClinVar (database versions not stated): gnomAD exomes below 0.00001.

Submissions (6):

ClinGen Lysosomal Storage Disorder Variant Curation Expert Panel
Classification: Pathogenic for Glycogen storage disease, type II. Last evaluated: 2026-07-10. Review status: reviewed by expert panel. Criteria: clingen_lsd_acmg_specifications_v2-1. Collection method: curation. Allele origin: germline. Inheritance: Autosomal recessive inheritance.
Comment: The NM_000152.5:c.1193del (p.Leu398ArgfsTer42) variant in GAA is a frameshift variant predicted to cause a premature stop codon in exon 8 out of a total of 20, leading to nonsense mediated decay in a gene in which loss-of-function is an established disease mechanism (PVS1). At least two individuals with this variant and a diagnosis of Pompe disease have been reported. One has infantile onset Pompe disease and is receiving enzyme replacement therapy as part of a clinical trial (PMID: 39835171). This patient was compound heterozygous for the variant and another variant in GAA, c.1927G>A (p.Gly643Arg) (ClinVar Variation ID: 4023), that has been classified as pathogenic for Pompe disease by the ClinGen LD VCEP; the phase is unconfirmed (PMID: 39835171) (0.5 points). The second individual was reported to have late onset Pompe disease but no further details are available and only one variant was identified (PMID: 30155607, 32382504) (PP4, PM3_Supporting). The highest population minor allele frequency in gnomAD v4.1.0. is 8.475e-7 (1/1179926 alleles) in the European non-Finnish population, which is lower than the ClinGen Lysosomal Diseases VCEP’s threshold for PM2_Supporting (<0.001), meeting this criterion (PM2_Supporting). In summary, this variant meets the criteria to be classified as pathogenic for Pompe disease. GAA-specific ACMG/AMP criteria met, based on the specifications of the ClinGen Lysosomal Diseases Variant Curation Expert Panel (Specifications Version 2.0.0): PVS1, PP4, PM2_Supporting, PM3_Supporting. (Classification approved by the ClinGen Lysosomal Diseases Variant Curation Expert Panel on July 10, 2026).

Genomenon, Inc
Classification: Pathogenic for Glycogen storage disease, type II. Last evaluated: 2026-07-01. Review status: criteria provided, single submitter. Criteria: Genomenon Sequence Variant Interpretation Standards - Updated. Collection method: curation. Allele origin: germline. Affected: yes. Not counted in ClinVar's aggregate classification.
Comment: GAA p.Leu398ArgfsTer42 (c.1193del) is a frameshift variant that is predicted to introduce a premature termination codon and result in a truncated or absent protein product. This variant has been observed in at least one proband with a GAA-related disorder (PMID:39835171). It is absent or not present at a significant frequency in gnomAD. In conclusion, we classify GAA p.Leu398ArgfsTer42 (c.1193del) as a pathogenic variant.

Labcorp Genetics (formerly Invitae), Labcorp
Classification: Pathogenic for Glycogen storage disease, type II. Last evaluated: 2023-04-26. Review status: criteria provided, single submitter. Criteria: Invitae Variant Classification Sherloc (09022015). Collection method: clinical testing. Allele origin: germline. Not counted in ClinVar's aggregate classification.
Comment: For these reasons, this variant has been classified as Pathogenic. ClinVar contains an entry for this variant (Variation ID: 371457). This premature translational stop signal has been observed in individual(s) with Pompe disease (PMID: 30155607). This variant is not present in population databases (gnomAD no frequency). This sequence change creates a premature translational stop signal (p.Leu398Argfs*42) in the GAA gene. It is expected to result in an absent or disrupted protein product. Loss-of-function variants in GAA are known to be pathogenic (PMID: 18425781, 22252923).

Baylor Genetics
Classification: Likely pathogenic for Glycogen storage disease, type II. Last evaluated: 2022-10-31. Review status: criteria provided, single submitter. Criteria: ACMG Guidelines, 2015. Collection method: clinical testing. Allele origin: unknown. Not counted in ClinVar's aggregate classification.

Fulgent Genetics
Classification: Pathogenic for Glycogen storage disease, type II. Last evaluated: 2021-07-09. Review status: criteria provided, single submitter. Criteria: ACMG Guidelines, 2015. Collection method: clinical testing. Allele origin: unknown. Not counted in ClinVar's aggregate classification.

Counsyl
Classification: Likely pathogenic for Glycogen storage disease, type II. Last evaluated: 2016-09-30. Review status: no assertion criteria provided. Collection method: clinical testing. Allele origin: unknown. Not counted in ClinVar's aggregate classification.

Literature cited by the submitters: PubMed 39835171 (cited by Genomenon, Inc); PubMed 30155607 (cited by Labcorp Genetics (formerly Invitae), Labcorp); PubMed 18425781 (cited by Labcorp Genetics (formerly Invitae), Labcorp); PubMed 22252923 (cited by Labcorp Genetics (formerly Invitae), Labcorp).